The following is an entry in ClinVar:

NM_003334.4(UBA1):c.85G>A (p.Val29Met)

Genes: UBA1 (ubiquitin like modifier activating enzyme 1; plus strand), LOC126863253 (CDK7 strongly-dependent group 2 enhancer GRCh37_chrX:47057593-47058792; plus strand). Cytogenetic location: Xp11.3.
Variant type: single nucleotide variant.
Coding change: c.85G>A on transcript NM_003334.4 (MANE Select); coding-DNA position 85, G replaced by A.
Protein change: p.Val29Met; replaces valine 29 with methionine.
Molecular consequence: missense variant.
Genome position (GRCh38, 1-based): chrX:47,198,887, G>A. VCF-style: chrX-47198887-G-A. GRCh37 (hg19) VCF-style: chrX-47058286-G-A.
Other names: c.85G>A, p.Val29Met (NM_153280.3); short protein forms V29M.
Identifiers: ClinVar variation 1383476 (VCV001383476.6), dbSNP rs1936300089, ClinGen allele CA412786439.

ClinVar aggregate classification (germline): Uncertain significance (1 of 4 stars; one submission).

Conditions:
Infantile-onset X-linked spinal muscular atrophy. Also called: Spinal Muscular Atrophy, X-Linked Infantile; Spinal muscular atrophy, X-linked 2; SPINAL MUSCULAR ATROPHY, X-LINKED LETHAL INFANTILE; AMC, DISTAL, X-LINKED; ARTHROGRYPOSIS, X-LINKED, TYPE I. Identifiers: Orphanet 1145, MedGen C1844934, MONDO:0010532, OMIM 301830.

Allele frequency attached by ClinVar (database versions not stated): gnomAD exomes below 0.00001; gnomAD 0.00001.
gnomAD v4.1: 2 of 1,210,548 alleles (0.00017%); highest among the groups gnomAD compares: Non-Finnish European, 0.00022%; no homozygotes.

Submission:

Labcorp Genetics (formerly Invitae), Labcorp
Classification: Uncertain significance for Infantile-onset X-linked spinal muscular atrophy. Last evaluated: 2021-10-06. Review status: criteria provided, single submitter. Criteria: Invitae Variant Classification Sherloc (09022015). Collection method: clinical testing. Allele origin: germline.
Comment: In summary, the available evidence is currently insufficient to determine the role of this variant in disease. Therefore, it has been classified as a Variant of Uncertain Significance. Algorithms developed to predict the effect of missense changes on protein structure and function are either unavailable or do not agree on the potential impact of this missense change (SIFT: "Deleterious"; PolyPhen-2: "Benign"; Align-GVGD: "Class C0"). This variant has not been reported in the literature in individuals affected with UBA1-related conditions. This variant is not present in population databases (ExAC no frequency). This sequence change replaces valine with methionine at codon 29 of the UBA1 protein (p.Val29Met). The valine residue is moderately conserved and there is a small physicochemical difference between valine and methionine.